The following is an entry in ClinVar:

NM_004991.4(MECOM):c.1736G>A (p.Ser579Asn)

Gene: MECOM (MDS1 and EVI1 complex locus; minus strand). Cytogenetic location: 3q26.2.
Variant type: single nucleotide variant.
Coding change: c.1736G>A on transcript NM_004991.4 (MANE Select); coding-DNA position 1736, G replaced by A.
Protein change: p.Ser579Asn; replaces serine 579 with asparagine.
Molecular consequence: missense variant. On other transcripts: intron variant (2).
Genome position (GRCh38, 1-based): chr3:169,116,136, C>T on the plus strand (G>A on the coding strand, the complement: MECOM is on the minus strand). VCF-style: chr3-169116136-C-T. GRCh37 (hg19) VCF-style: chr3-168833924-C-T.
Other names: c.1367G>A, p.Ser456Asn (NM_001105077.4); c.1172G>A, p.Ser391Asn (NM_001105078.4, NM_001164000.2, NM_001205194.2 and 4 more transcripts); c.1175G>A, p.Ser392Asn (NM_001163999.2, NM_001366467.2, NM_001366468.2 and 1 more transcripts); c.1736G>A, p.Ser579Asn (NM_001366466.2); c.1133-369G>A (NM_001366473.2); c.569-369G>A (NM_001366474.2); short protein forms S392N, S579N, S391N, S456N.
Identifiers: ClinVar variation 2880299 (VCV002880299.3), dbSNP rs2549409782, ClinGen allele CA355061446.

ClinVar aggregate classification (germline): Uncertain significance (1 of 4 stars; one submission).

gnomAD v4.1: 1 of 1,614,176 alleles (0.000062%); no homozygotes.

Submission:

Labcorp Genetics (formerly Invitae), Labcorp
Classification: Uncertain significance. Last evaluated: 2023-11-04. Review status: criteria provided, single submitter. Criteria: Invitae Variant Classification Sherloc (09022015). Collection method: clinical testing. Allele origin: germline.
Comment: This sequence change replaces serine, which is neutral and polar, with asparagine, which is neutral and polar, at codon 391 of the MECOM protein (p.Ser391Asn). This variant is not present in population databases (gnomAD no frequency). This variant has not been reported in the literature in individuals affected with MECOM-related conditions. An algorithm developed to predict the effect of missense changes on protein structure and function (PolyPhen-2) suggests that this variant is likely to be disruptive. In summary, the available evidence is currently insufficient to determine the role of this variant in disease. Therefore, it has been classified as a Variant of Uncertain Significance.